The following is an entry in ClinVar:

NM_000344.4(SMN1):c.*1G>A

Gene: SMN1 (survival of motor neuron 1, telomeric). Cytogenetic location: 5q13.2.
Variant type: single nucleotide variant.
Coding change: c.*1G>A on transcript NM_000344.4 (MANE Select); 1 bases downstream of the stop codon, G replaced by A.
Molecular consequence: 3 prime UTR variant. On other transcripts: intron variant (1).
Genome position (GRCh38, 1-based): chr5:70,951,992, G>A. VCF-style: chr5-70951992-G-A. GRCh37 (hg19) VCF-style: chr5-70247819-G-A.
Other names: c.*1G>A (NM_022874.2); c.835-447G>A (NM_001297715.1).
Identifiers: ClinVar variation 632988 (VCV000632988.2), dbSNP rs763144752, ClinGen allele CA3295125.

ClinVar aggregate classification (germline): Uncertain significance (1 of 4 stars; one submission).

Allele frequency attached by ClinVar (database versions not stated): gnomAD exomes below 0.00001 and 0.00001; TOPMed 0.00001; ExAC 0.00002; gnomAD 0.00002.
gnomAD v4.1: 5 of 1,612,618 alleles (0.00031%); highest among the groups gnomAD compares: Non-Finnish European, 0.00034%; no homozygotes.

Submission:

Women's Health and Genetics/Laboratory Corporation of America, LabCorp
Classification: Uncertain significance. Last evaluated: 2019-12-17. Review status: criteria provided, single submitter. Criteria: LabCorp Variant Classification Summary - May 2015. Collection method: clinical testing. Allele origin: germline.
Comment: Variant summary: SMN1 c.*1G>A is located in the untranslated mRNA region downstream of the termination codon. The variant allele was found at a frequency of 8.1e-06 in 247954 control chromosomes (gnomAD). The available data on variant occurrences in the general population are insufficient to allow any conclusion about variant significance. To our knowledge, no occurrence of c.*1G>A in individuals affected with Spinal Muscular Atrophy and no experimental evidence demonstrating an impact on protein function have been reported. No other clinical diagnostic laboratories have submitted clinical-significance assessments for this variant to ClinVar after 2014. Based on the evidence outlined above, the variant was classified as uncertain significance.